The following is an entry in ClinVar:

ClinVar aggregate classification (germline): Benign/Likely benign. Review status: criteria provided, multiple submitters, no conflicts (2 of 4 stars). 4 submissions from 4 submitters: Benign (2); Likely benign (2). Last evaluated 2025-05-16.

Conditions:
Hereditary cancer-predisposing syndrome. Also called: Tumor predisposition; Hereditary Cancer Syndrome; Neoplastic Syndromes, Hereditary; Hereditary neoplastic syndrome. Identifiers: Orphanet 140162, MedGen C0027672, MeSH D009386, MONDO:0015356.
Tuberous sclerosis 2 (TSC2). Identifiers: Orphanet 805, MedGen C1860707, MONDO:0013199, OMIM 613254.

Submissions (4):

Myriad Genetics, Inc.
Classification: Benign for Tuberous sclerosis 2. Last evaluated: 2025-05-16. Review status: criteria provided, single submitter. Criteria: Myriad Autosomal Dominant, Autosomal Recessive and X-Linked Classification Criteria (2023). Collection method: clinical testing. Allele origin: unknown.
Comment: This variant is considered benign. This variant is a silent/synonymous amino acid change and it is not expected to impact splicing.

Labcorp Genetics (formerly Invitae), Labcorp
Classification: Likely benign for Tuberous sclerosis 2. Last evaluated: 2024-10-20. Review status: criteria provided, single submitter. Criteria: Invitae Variant Classification Sherloc (09022015). Collection method: clinical testing. Allele origin: germline.

Genome-Nilou Lab
Classification: Benign for Tuberous sclerosis 2. Last evaluated: 2021-11-07. Review status: criteria provided, single submitter. Criteria: ACMG Guidelines, 2015. Collection method: clinical testing. Allele origin: germline. Affected: no.

Ambry Genetics
Classification: Likely benign for Hereditary cancer-predisposing syndrome. Last evaluated: 2019-04-22. Review status: criteria provided, single submitter. Criteria: Ambry Variant Classification Scheme 2023. Collection method: clinical testing. Allele origin: germline.

NM_000548.5(TSC2):c.1971G>A (p.Lys657=)

Gene: TSC2 (TSC complex subunit 2; plus strand). Cytogenetic location: 16p13.3.
Variant type: single nucleotide variant.
Coding change: c.1971G>A on transcript NM_000548.5 (MANE Select); coding-DNA position 1971, G replaced by A.
Protein change: p.Lys657=; no amino-acid change (lysine 657 retained).
Molecular consequence: synonymous variant.
Genome position (GRCh38, 1-based): chr16:2,071,808, G>A. VCF-style: chr16-2071808-G-A. GRCh37 (hg19) VCF-style: chr16-2121809-G-A.
Other names: c.1971G>A, p.Lys657= (NM_001077183.3, NM_001114382.3, NM_001363528.2 and 3 more transcripts); c.1860G>A, p.Lys620= (NM_001318827.2); c.1824G>A, p.Lys608= (NM_001318829.2); c.1371G>A, p.Lys457= (NM_001318831.2); c.2004G>A, p.Lys668= (NM_001318832.2).
Identifiers: ClinVar variation 752868 (VCV000752868.18), dbSNP rs1596344117, ClinGen allele CA493042549.
Genomic context (GRCh38, chr16:2,071,808, plus strand): 5'-GGGACTTGGCCTCAGCTGCTTCTCTTGCTTCTGCAGGGAGCCAGAGAGAGGCTCTGAGAA[G>A]AAGACCAGCGGCCCCCTTTCTCCTCCCACAGGGCCTCCTGGCCCGGCGCCTGCAGGCCCC-3'
Protein context (NP_000539.2, residues 647-667): DYMEPERGSE[Lys657=]KTSGPLSPPT